The following is an entry in ClinVar:

ClinVar aggregate classification (germline): Uncertain significance. Review status: criteria provided, multiple submitters, no conflicts (2 of 4 stars). 2 submissions from 2 submitters: Uncertain significance (2). Last evaluated 2023-08-05.

Conditions:
Ullrich congenital muscular dystrophy 2 (UCMD2). Identifiers: Orphanet 75840, MedGen C4225314, MONDO:0014654, OMIM 616470.
Bethlem myopathy 2 (BTHLM2). Identifiers: Orphanet 536516, Orphanet 610, MedGen C4225313, MONDO:0034022, OMIM 616471.

Submissions (2):

Labcorp Genetics (formerly Invitae), Labcorp
Classification: Uncertain significance for Bethlem myopathy 2; Ullrich congenital muscular dystrophy 2. Last evaluated: 2023-08-05. Review status: criteria provided, single submitter. Criteria: Invitae Variant Classification Sherloc (09022015). Collection method: clinical testing. Allele origin: germline.
Comment: This variant is not present in population databases (gnomAD no frequency). This variant has not been reported in the literature in individuals affected with COL12A1-related conditions. Advanced modeling of protein sequence and biophysical properties (such as structural, functional, and spatial information, amino acid conservation, physicochemical variation, residue mobility, and thermodynamic stability) performed at Invitae indicates that this missense variant is not expected to disrupt COL12A1 protein function. In summary, the available evidence is currently insufficient to determine the role of this variant in disease. Therefore, it has been classified as a Variant of Uncertain Significance. This sequence change replaces glutamic acid, which is acidic and polar, with glycine, which is neutral and non-polar, at codon 464 of the COL12A1 protein (p.Glu464Gly).

GeneDx
Classification: Uncertain significance. Last evaluated: 2023-07-13. Review status: criteria provided, single submitter. Criteria: GeneDx Variant Classification Process June 2021. Collection method: clinical testing. Allele origin: germline. Affected: yes.
Comment: Not observed at significant frequency in large population cohorts (gnomAD); In silico analysis supports that this missense variant does not alter protein structure/function; Has not been previously published as pathogenic or benign to our knowledge

NM_004370.6(COL12A1):c.1391A>G (p.Glu464Gly)

Gene: COL12A1 (collagen type XII alpha 1 chain; minus strand). Cytogenetic location: 6q13.
Variant type: single nucleotide variant.
Coding change: c.1391A>G on transcript NM_004370.6 (MANE Select); coding-DNA position 1391, A replaced by G.
Protein change: p.Glu464Gly; replaces glutamic acid 464 with glycine.
Molecular consequence: missense variant. On other transcripts: intron variant (2).
Genome position (GRCh38, 1-based): chr6:75,183,550, T>C on the plus strand (A>G on the coding strand, the complement: COL12A1 is on the minus strand). VCF-style: chr6-75183550-T-C. GRCh37 (hg19) VCF-style: chr6-75893266-T-C.
Other names: c.1391A>G (NM_004370.5); c.1391A>G, p.Glu464Gly (NM_001424113.1, NM_001424114.1, NM_001424115.1); c.73+19170A>G (NM_001424116.1, NM_080645.3); short protein forms E464G.
Identifiers: ClinVar variation 2950466 (VCV002950466.4), dbSNP rs2533568533, ClinGen allele CA364770736.
Genomic context (GRCh38, chr6:75,183,550, plus strand): 5'-TATTGCACAAGACTAATCTGGACCCTATTTGGTGAAATTTCAAAACTTTTTACAAGAACT[T>C]CCAAAAAGGCTCTAACTTTAACAAAGTTTGCAATCCCAATGCTATAGGAGCCATCAACCA-3'
Protein context (NP_004361.3, residues 454-474): ANFVKVRAFL[Glu464Gly]VLVKSFEISP